The following is an entry in ClinVar:

ClinVar aggregate classification (germline): Pathogenic. Review status: criteria provided, single submitter (1 of 4 stars). 2 submissions from 2 submitters: Pathogenic (1). 1 of the submissions does not count toward it. Last evaluated 2022-07-11.

Conditions:
Schimke immuno-osseous dysplasia (SIOD). Also called: Schimke Immunoosseous Dysplasia. Identifiers: Orphanet 1830, MedGen C0877024, MONDO:0009458, OMIM 242900.

Allele frequency attached by ClinVar (database versions not stated): gnomAD exomes 0.00001.
gnomAD v4.1: 19 of 1,614,220 alleles (0.0012%); highest among the groups gnomAD compares: Non-Finnish European, 0.0016%; no homozygotes.

Submissions (2):

Labcorp Genetics (formerly Invitae), Labcorp
Classification: Pathogenic for Schimke immuno-osseous dysplasia. Last evaluated: 2022-07-11. Review status: criteria provided, single submitter. Criteria: Invitae Variant Classification Sherloc (09022015). Collection method: clinical testing. Allele origin: germline.
Comment: For these reasons, this variant has been classified as Pathogenic. ClinVar contains an entry for this variant (Variation ID: 4173). This premature translational stop signal has been observed in individual(s) with Schimke immunoosseous dysplasia (PMID: 11799392). This variant is not present in population databases (gnomAD no frequency). This sequence change creates a premature translational stop signal (p.Gln34*) in the SMARCAL1 gene. It is expected to result in an absent or disrupted protein product. Loss-of-function variants in SMARCAL1 are known to be pathogenic (PMID: 11799392, 20301550).

OMIM
Classification: Pathogenic for SCHIMKE IMMUNOOSSEOUS DYSPLASIA. Last evaluated: 2002-02-01. Review status: no assertion criteria provided. Collection method: literature only. Allele origin: germline. Not counted in ClinVar's aggregate classification.

Literature cited by the submitters: PubMed 11799392 (cited by Labcorp Genetics (formerly Invitae), Labcorp and OMIM); PubMed 20301550 (cited by Labcorp Genetics (formerly Invitae), Labcorp).

NM_014140.4(SMARCAL1):c.100C>T (p.Gln34Ter)

Gene: SMARCAL1 (SNF2 related chromatin remodeling annealing helicase 1; plus strand). Cytogenetic location: 2q35.
Variant type: single nucleotide variant.
Coding change: c.100C>T on transcript NM_014140.4 (MANE Select); coding-DNA position 100, C replaced by T.
Protein change: p.Gln34Ter; replaces glutamine 34 with a stop codon.
Molecular consequence: nonsense.
Genome position (GRCh38, 1-based): chr2:216,414,804, C>T. VCF-style: chr2-216414804-C-T. GRCh37 (hg19) VCF-style: chr2-217279527-C-T.
Other names: c.100C>T, p.Gln34Ter (NM_001127207.2); short protein forms Q34*.
Identifiers: ClinVar variation 4173 (VCV000004173.5), dbSNP rs119473035, ClinGen allele CA253023.